The following is an entry in ClinVar:

ClinVar aggregate classification (germline): Pathogenic/Likely pathogenic. Review status: criteria provided, multiple submitters, no conflicts (2 of 4 stars). 5 submissions from 5 submitters: Pathogenic (1); Likely pathogenic (4). Last evaluated 2025-10-20.

Conditions:
Hereditary cancer-predisposing syndrome. Also called: Neoplastic Syndromes, Hereditary; Tumor predisposition; Hereditary Cancer Syndrome; Hereditary neoplastic syndrome. Identifiers: Orphanet 140162, MedGen C0027672, MeSH D009386, MONDO:0015356.
Familial cancer of breast. Also called: BREAST CANCER, FAMILIAL; hereditary breast carcinoma; Hereditary breast cancer. Identifiers: Orphanet 227535, MedGen C0346153, MONDO:0016419, OMIM 114480. Disease mechanism: loss of function.

Allele frequency attached by ClinVar (database versions not stated): gnomAD exomes below 0.00001.

Submissions (5):

Labcorp Genetics (formerly Invitae), Labcorp
Classification: Likely pathogenic for Familial cancer of breast. Last evaluated: 2025-10-20. Review status: criteria provided, single submitter. Criteria: Invitae Variant Classification Sherloc (09022015). Collection method: clinical testing. Allele origin: germline.
Comment: This sequence change creates a premature translational stop signal (p.Asn744*) in the BARD1 gene. While this is not anticipated to result in nonsense mediated decay, it is expected to disrupt the last 34 amino acid(s) of the BARD1 protein. This variant is present in population databases (no rsID available, gnomAD 0.003%). This variant has not been reported in the literature in individuals affected with BARD1-related conditions. ClinVar contains an entry for this variant (Variation ID: 460740). This variant disrupts the C-terminal BRCT domain of BARD1 protein, which is required for chromosome stability and homology-directed repair (PMID: 17848578). A different variant (p.Val767fs) that lies downstream of this variant has been reported to affect BARD1 protein function (PMID: 30925164), this suggests that disruption of this region of the protein is causative of disease. In summary, the currently available evidence indicates that the variant is pathogenic, but additional data are needed to prove that conclusively. Therefore, this variant has been classified as Likely Pathogenic.

Ambry Genetics
Classification: Likely pathogenic for Hereditary cancer-predisposing syndrome. Last evaluated: 2024-05-30. Review status: criteria provided, single submitter. Criteria: Ambry Variant Classification Scheme 2023. Collection method: clinical testing. Allele origin: germline.
Comment: The c.2229dupT variant, located in coding exon 11 of the BARD1 gene, results from a duplication of T at nucleotide position 2229, causing a translational frameshift with a predicted alternate stop codon (p.N744*). Premature stop codons are typically deleterious in nature, however, this stop codon occurs at the 3' terminus of BARD1, is not expected to trigger nonsense-mediated mRNA decay, and removes only the last 34 amino acids of the protein. However, premature stop codons are typically deleterious in nature and the impacted region is critical for protein function (Ambry internal data). Another truncating alteration downstream, p.V767fs*4 (c.2300_2301delTG), was found to be non-functional in a homology-directed DNA repair through functional studies (Adamovich AI et al. PLoS Genet. 2019 03;15:e1008049). One study detected the p.N744* alteration in 0/3030 pancreatic cancer cases and 1/123136 population controls (Hu C et al. JAMA, 2018 06;319:2401-2409). Based on the majority of available evidence to date, this variant is likely to be pathogenic.

Myriad Genetics, Inc.
Classification: Pathogenic for Familial cancer of breast. Last evaluated: 2023-05-25. Review status: criteria provided, single submitter. Criteria: Myriad Autosomal Dominant, Autosomal Recessive and X-Linked Classification Criteria (2023). Collection method: clinical testing. Allele origin: unknown.
Comment: This variant is considered pathogenic. This variant creates a termination codon and is predicted to result in premature protein truncation.

Baylor Genetics
Classification: Likely pathogenic for Familial cancer of breast. Last evaluated: 2022-12-05. Review status: criteria provided, single submitter. Criteria: ACMG Guidelines, 2015. Collection method: clinical testing. Allele origin: unknown.

Color Diagnostics, LLC DBA Color Health
Classification: Likely pathogenic for Hereditary cancer-predisposing syndrome. Last evaluated: 2020-01-15. Review status: criteria provided, single submitter. Criteria: ACMG Guidelines, 2015. Collection method: clinical testing. Allele origin: germline.
Comment: This variant inserts 1 nucleotide in exon 11 of the BARD1 gene, creating a frameshift and premature translation stop signal. This variant is expected to result in an absent or non-functional protein product. This variant has been identified in 1/251318 chromosomes in the general population by the Genome Aggregation Database (gnomAD). Loss of BARD1 function is a known mechanism of disease. Based on the available evidence, this variant is classified as Likely Pathogenic.

Literature cited by the submitters: PubMed 17848578 (cited by Labcorp Genetics (formerly Invitae), Labcorp); PubMed 30925164 (cited by Labcorp Genetics (formerly Invitae), Labcorp); PubMed 29922827 (cited by Ambry Genetics); PubMed 32720237 (cited by Ambry Genetics).

NM_000465.4(BARD1):c.2229dup (p.Asn744Ter)

Gene: BARD1 (BRCA1 associated RING domain 1; minus strand). Cytogenetic location: 2q35.
Variant type: Duplication.
Coding change: c.2229dup on transcript NM_000465.4 (MANE Select); coding-DNA position 2229, one base duplicated (T; older notation c.2229dupT).
Protein change: p.Asn744Ter; replaces asparagine 744 with a stop codon.
Molecular consequence: nonsense. On other transcripts: non-coding transcript variant (3).
Genome position (GRCh38, 1-based): chr2:214,728,781, A duplicated on the plus strand (T on the coding strand, the reverse complement: BARD1 is on the minus strand). VCF-style (leftmost placement, unchanged base first): chr2-214728780-T-TA. GRCh37 (hg19) VCF-style: chr2-215593504-T-TA.
Other names: c.2172dup, p.Asn725Ter (NM_001282543.2); c.876dup, p.Asn293Ter (NM_001282545.2); c.819dup, p.Asn274Ter (NM_001282548.2); c.690dup, p.Asn231Ter (NM_001282549.2); c.2229dupT (NM_000465.3); short protein forms N293*, N725*, N231*, N274*, N744*.
Identifiers: ClinVar variation 460740 (VCV000460740.22), dbSNP rs1259296823, ClinGen allele CA539837273.